The following is an entry in ClinVar:

NM_014908.4(DOLK):c.941T>C (p.Val314Ala)

Gene: DOLK (dolichol kinase; minus strand). Cytogenetic location: 9q34.11.
Variant type: single nucleotide variant.
Coding change: c.941T>C on transcript NM_014908.4 (MANE Select); coding-DNA position 941, T replaced by C.
Protein change: p.Val314Ala; replaces valine 314 with alanine.
Molecular consequence: missense variant.
Genome position (GRCh38, 1-based): chr9:128,946,363, A>G on the plus strand (T>C on the coding strand, the complement: DOLK is on the minus strand). VCF-style: chr9-128946363-A-G. GRCh37 (hg19) VCF-style: chr9-131708642-A-G.
Other names: short protein forms V314A.
Identifiers: ClinVar variation 2097964 (VCV002097964.4), dbSNP rs928628151, ClinGen allele CA200444723.

ClinVar aggregate classification (germline): Uncertain significance (1 of 4 stars; one submission).

Conditions:
DK1-congenital disorder of glycosylation. Also called: CONGENITAL DISORDER OF GLYCOSYLATION, TYPE Im; DK1-CDG; CDG Im; DK1 DEFICIENCY; DOLICHOL KINASE DEFICIENCY; DOLK-congenital disorder of glycosylation. Identifiers: Orphanet 91131, MedGen C1835849, MONDO:0012556, OMIM 610768.

Submission:

Labcorp Genetics (formerly Invitae), Labcorp
Classification: Uncertain significance for DK1-congenital disorder of glycosylation. Last evaluated: 2022-03-28. Review status: criteria provided, single submitter. Criteria: Invitae Variant Classification Sherloc (09022015). Collection method: clinical testing. Allele origin: germline.
Comment: In summary, the available evidence is currently insufficient to determine the role of this variant in disease. Therefore, it has been classified as a Variant of Uncertain Significance. Algorithms developed to predict the effect of missense changes on protein structure and function (SIFT, PolyPhen-2, Align-GVGD) all suggest that this variant is likely to be tolerated. This variant has not been reported in the literature in individuals affected with DOLK-related conditions. This variant is not present in population databases (gnomAD no frequency). This sequence change replaces valine, which is neutral and non-polar, with alanine, which is neutral and non-polar, at codon 314 of the DOLK protein (p.Val314Ala).